The following is an entry in ClinVar:

ClinVar aggregate classification (germline): Likely benign (1 of 4 stars; one submission).

Conditions:
Marfan syndrome (MFS). Also called: MARFAN SYNDROME, TYPE I; Marfan syndrome type 1; Marfan's syndrome; Marfan syndrome, classic; FBN1-Related Marfan Syndrome. Identifiers: Orphanet 284963, Orphanet 558, MedGen C0024796, MONDO:0007947, OMIM 154700.

Allele frequency attached by ClinVar (database versions not stated): gnomAD exomes below 0.00001.
gnomAD v4.1: 1 of 1,614,254 alleles (0.000062%); highest among the groups gnomAD compares: Admixed American, 0.0017%; no homozygotes.

Submission:

All of Us Research Program, National Institutes of Health
Classification: Likely benign for Marfan syndrome. Last evaluated: 2023-12-13. Review status: criteria provided, single submitter. Criteria: ACMG Guidelines, 2015. Collection method: clinical testing. Allele origin: germline. Inheritance: Autosomal dominant inheritance. Observed: 1 variant allele, 1 heterozygote.
Comment: This study involves interpretation of variants in research participants for the purpose of population health screening. Participant phenotype was not available at the time of variant classification. Additional details can be found in publication PMID: 35346344, PMCID: PMC8962531

NM_000138.5(FBN1):c.3450C>A (p.Ile1150=)

Gene: FBN1 (fibrillin 1; minus strand). Cytogenetic location: 15q21.1.
Variant type: single nucleotide variant.
Coding change: c.3450C>A on transcript NM_000138.5 (MANE Select); coding-DNA position 3450, C replaced by A.
Protein change: p.Ile1150=; no amino-acid change (isoleucine 1150 retained).
Molecular consequence: synonymous variant.
Genome position (GRCh38, 1-based): chr15:48,487,325, G>T on the plus strand (C>A on the coding strand, the complement: FBN1 is on the minus strand). VCF-style: chr15-48487325-G-T. GRCh37 (hg19) VCF-style: chr15-48779522-G-T.
Other names: c.3450C>A, p.Ile1150= (NM_001406716.1).
Identifiers: ClinVar variation 3074819 (VCV003074819.1), dbSNP rs1489879961, ClinGen allele CA490018237.
Genomic context (GRCh38, chr15:48,487,325, plus strand): 5'-TCAAACAACTGACCACAAGTAAATGGTGTGAAAGTCTTTCTCCTTACCGATACACGCGGA[G>T]ATGTTGGGGGACAGCTGATGGCCAGGCGGGCATTCACAGCGGTAACTTCCCTCTGTGTTA-3'
Protein context (NP_000129.3, residues 1140-1160): CPPGHQLSPN[Ile1150=]SACIDINECE